The following is an entry in ClinVar:

ClinVar aggregate classification (germline): Uncertain significance (1 of 4 stars; one submission).

Conditions:
Werner syndrome (WRN). Identifiers: Orphanet 902, MedGen C0043119, MONDO:0010196, OMIM 277700.

Allele frequency attached by ClinVar (database versions not stated): TOPMed below 0.00001; gnomAD 0.00001.
gnomAD v4.1: 2 of 1,590,566 alleles (0.00013%); highest among the groups gnomAD compares: Non-Finnish European, 0.00017%; no homozygotes.

Submission:

Labcorp Genetics (formerly Invitae), Labcorp
Classification: Uncertain significance for Werner syndrome. Last evaluated: 2023-04-14. Review status: criteria provided, single submitter. Criteria: Invitae Variant Classification Sherloc (09022015). Collection method: clinical testing. Allele origin: germline.
Comment: In summary, the available evidence is currently insufficient to determine the role of this variant in disease. Therefore, it has been classified as a Variant of Uncertain Significance. RNA analysis performed to evaluate the impact of this missense change on mRNA splicing indicates it does not significantly alter splicing (Invitae). Algorithms developed to predict the effect of missense changes on protein structure and function output the following: SIFT: "Not Available"; PolyPhen-2: "Benign"; Align-GVGD: "Not Available". The arginine amino acid residue is found in multiple mammalian species, which suggests that this missense change does not adversely affect protein function. ClinVar contains an entry for this variant (Variation ID: 1430083). This variant has not been reported in the literature in individuals affected with WRN-related conditions. This variant is not present in population databases (gnomAD no frequency). This sequence change replaces cysteine, which is neutral and slightly polar, with arginine, which is basic and polar, at codon 1115 of the WRN protein (p.Cys1115Arg).

NM_000553.6(WRN):c.3343T>C (p.Cys1115Arg)

Gene: WRN (WRN RecQ like helicase; plus strand). Cytogenetic location: 8p12.
Variant type: single nucleotide variant.
Coding change: c.3343T>C on transcript NM_000553.6 (MANE Select); coding-DNA position 3343, T replaced by C.
Protein change: p.Cys1115Arg; replaces cysteine 1115 with arginine.
Molecular consequence: missense variant.
Genome position (GRCh38, 1-based): chr8:31,143,583, T>C. VCF-style: chr8-31143583-T-C. GRCh37 (hg19) VCF-style: chr8-31001099-T-C.
Other names: short protein forms C1115R.
Identifiers: ClinVar variation 1430083 (VCV001430083.8), dbSNP rs886062893, ClinGen allele CA370924081.